The following is an entry in ClinVar:

ClinVar aggregate classification (germline): Uncertain significance. Review status: criteria provided, multiple submitters, no conflicts (2 of 4 stars). 12 submissions from 12 submitters: Uncertain significance (10). 2 of the submissions do not count toward it. Last evaluated 2026-08-06.

Conditions:
PMS2-related disorder. Also called: PMS2-related condition.
Hereditary nonpolyposis colorectal neoplasms. Identifiers: MedGen C0009405, MeSH D003123.
Hereditary cancer-predisposing syndrome. Also called: Hereditary neoplastic syndrome; Tumor predisposition; Hereditary Cancer Syndrome; Neoplastic Syndromes, Hereditary. Identifiers: Orphanet 140162, MedGen C0027672, MeSH D009386, MONDO:0015356.
Lynch syndrome. Identifiers: Orphanet 144, MedGen C4552100, MONDO:0005835. Disease mechanism: loss of function.
Lynch syndrome 4 (LYNCH4). Also called: Colorectal cancer, hereditary nonpolyposis, type 4; Hereditary non-polyposis colorectal cancer, type 4. Identifiers: Orphanet 144, MedGen C1838333, MONDO:0013699, OMIM 614337. Disease mechanism: loss of function.

Allele frequency attached by ClinVar (database versions not stated): gnomAD exomes below 0.00001.
gnomAD v4.1: 1 of 1,614,076 alleles (0.000062%); highest among the groups gnomAD compares: Non-Finnish European, 0.000085%; no homozygotes.

Submissions (12):

PreventionGenetics, part of Exact Sciences
Classification: Uncertain significance for PMS2-related condition. Last evaluated: 2026-08-06. Review status: criteria provided, single submitter. Criteria: ACMG Guidelines, 2015. Collection method: clinical testing. Allele origin: germline.
Comment: The PMS2 c.695G>A variant is predicted to result in the amino acid substitution p.Gly232Glu. To our knowledge, this variant has not been reported in individuals with PMS2 related conditions. Experimental studies showed this variant does not negatively impact PMS2 function (D'Arcy et al. 2022. PubMed ID: 35189042). This variant is absent in a large population database (gnomAD), indicating this variant is rare. This variant is interpreted as uncertain in ClinVar (Variation ID: 41717). At this time, the clinical significance of this variant is uncertain due to the absence of conclusive functional and genetic evidence.

Ambry Genetics
Classification: Uncertain significance for Hereditary cancer-predisposing syndrome. Last evaluated: 2025-05-05. Review status: criteria provided, single submitter. Criteria: Ambry Variant Classification Scheme 2023. Collection method: clinical testing. Allele origin: germline.
Comment: The p.G232E variant (also known as c.695G>A), located in coding exon 6 of the PMS2 gene, results from a G to A substitution at nucleotide position 695. The glycine at codon 232 is replaced by glutamic acid, an amino acid with similar properties. This amino acid position is highly conserved in available vertebrate species. In addition, this alteration is predicted to be deleterious by in silico analysis. Based on the available evidence, the clinical significance of this variant remains unclear.

Labcorp Genetics (formerly Invitae), Labcorp
Classification: Uncertain significance for Hereditary nonpolyposis colorectal neoplasms. Last evaluated: 2025-04-28. Review status: criteria provided, single submitter. Criteria: Invitae Variant Classification Sherloc (09022015). Collection method: clinical testing. Allele origin: germline.
Comment: This sequence change replaces glycine, which is neutral and non-polar, with glutamic acid, which is acidic and polar, at codon 232 of the PMS2 protein (p.Gly232Glu). This variant is not present in population databases (gnomAD no frequency). This variant has not been reported in the literature in individuals affected with PMS2-related conditions. ClinVar contains an entry for this variant (Variation ID: 41717). Invitae Evidence Modeling incorporating data from in vitro experimental studies (internal data) indicates that this missense variant is not expected to disrupt PMS2 function with a negative predictive value of 95%. Experimental studies are conflicting or provide insufficient evidence to determine the effect of this variant on PMS2 function (PMID: 35189042). RNA analysis performed to evaluate the impact of this missense change on mRNA splicing indicates it does not significantly alter splicing (internal data). In summary, the available evidence is currently insufficient to determine the role of this variant in disease. Therefore, it has been classified as a Variant of Uncertain Significance.

GeneDx
Classification: Uncertain significance. Last evaluated: 2024-02-29. Review status: criteria provided, single submitter. Criteria: GeneDx Variant Classification Process June 2021. Collection method: clinical testing. Allele origin: germline. Affected: yes.
Comment: Not observed at significant frequency in large population cohorts (gnomAD); In silico analysis supports that this missense variant has a deleterious effect on protein structure/function; Published functional studies suggest a neutral effect: protein expression, MMR activity, and ATPase activity similar to wildtype (PMID: 35189042); This variant is associated with the following publications: (PMID: 11574484, 22703879, 35189042)

Color Diagnostics, LLC DBA Color Health
Classification: Uncertain significance for Hereditary cancer-predisposing syndrome. Last evaluated: 2023-10-03. Review status: criteria provided, single submitter. Criteria: ACMG Guidelines, 2015. Collection method: clinical testing. Allele origin: germline.
Comment: This missense variant replaces glycine with glutamic acid at codon 232 of the PMS2 protein. Computational prediction suggests that this variant may have deleterious impact on protein structure and function (internally defined REVEL score threshold >= 0.7, PMID: 27666373). Functional studies have shown that this variant has no significant impact on PMS2 protein expression, and the mutant protein had similar mismatch repair efficient and ATPase activity compared to wild type protein (PMID: 35189042). To our knowledge, this variant has not been reported in individuals affected with PMS2-related disorders in the literature. This variant has not been identified in the general population by the Genome Aggregation Database (gnomAD). The available evidence is insufficient to determine the role of this variant in disease conclusively. Therefore, this variant is classified as a Variant of Uncertain Significance.

Baylor Genetics
Classification: Uncertain significance for Lynch syndrome 4. Last evaluated: 2023-06-02. Review status: criteria provided, single submitter. Criteria: ACMG Guidelines, 2015. Collection method: clinical testing. Allele origin: unknown.

All of Us Research Program, National Institutes of Health
Classification: Uncertain significance for Lynch syndrome. Last evaluated: 2023-05-08. Review status: criteria provided, single submitter. Criteria: ACMG Guidelines, 2015. Collection method: clinical testing. Allele origin: germline. Inheritance: Autosomal dominant inheritance. Observed: 1 variant allele, 1 heterozygote.
Comment: This study involves interpretation of variants in research participants for the purpose of population health screening. Participant phenotype was not available at the time of variant classification. Additional details can be found in publication PMID: 35346344, PMCID: PMC8962531

Myriad Genetics, Inc.
Classification: Uncertain significance for Lynch syndrome 4. Last evaluated: 2023-04-05. Review status: criteria provided, single submitter. Criteria: Myriad Autosomal Dominant, Autosomal Recessive and X-Linked Classification Criteria (2023). Collection method: clinical testing. Allele origin: unknown.
Comment: This variant is classified as a variant of uncertain significance as there is insufficient evidence to determine its impact on protein function and/or cancer risk.

Blueprint Genetics
Classification: Uncertain significance. Last evaluated: 2021-06-29. Review status: criteria provided, single submitter. Criteria: ACMG Guidelines, 2015. Collection method: clinical testing. Allele origin: germline.

Women's Health and Genetics/Laboratory Corporation of America, LabCorp
Classification: Uncertain significance. Last evaluated: 2019-05-06. Review status: criteria provided, single submitter. Criteria: LabCorp Variant Classification Summary - May 2015. Collection method: clinical testing. Allele origin: germline.
Comment: Variant summary: PMS2 c.695G>A (p.Gly232Glu) results in a non-conservative amino acid change located in the DNA mismatch repair protein, S5 domain 2-like of the encoded protein sequence. Five of five in-silico tools predict a damaging effect of the variant on protein function. The variant was absent in 251492 control chromosomes (gnomAD). The available data on variant occurrences in the general population are insufficient to allow any conclusion about variant significance. c.695G>A has been reported in the literature in an individual affected with atherosclerosis (Johnston_2012). This report however, does not provide unequivocal conclusions about association of the variant with Lynch Syndrome. To our knowledge, no experimental evidence demonstrating an impact on protein function has been reported. Three clinical diagnostic laboratories have submitted clinical-significance assessments for this variant to ClinVar after 2014 without evidence for independent evaluation and classified the variant as uncertain significance. Based on the evidence outlined above, the variant was classified as uncertain significance.

Counsyl
Classification: Uncertain significance for Lynch syndrome 4. Last evaluated: 2017-08-02. Review status: no assertion criteria provided. Collection method: clinical testing. Allele origin: unknown. Not counted in ClinVar's aggregate classification.

Biesecker Lab/Clinical Genomics Section, National Institutes of Health
Classification: Uncertain significance. Last evaluated: 2012-07-13. Review status: no assertion criteria provided. Collection method: research. Allele origin: germline. Affected: no. Observed: 1 variant allele. Study: ClinSeq. Not counted in ClinVar's aggregate classification.
ClinVar note: Converted during submission from variant of unknown significance to Uncertain significance.

Literature cited by the submitters: PubMed 27600092 (cited by Ambry Genetics); PubMed 35189042 (cited by Labcorp Genetics (formerly Invitae), Labcorp and Color Diagnostics, LLC DBA Color Health).

NM_000535.7(PMS2):c.695G>A (p.Gly232Glu)

Gene: PMS2 (PMS1 homolog 2, mismatch repair system component; minus strand). Cytogenetic location: 7p22.1.
Variant type: single nucleotide variant.
Coding change: c.695G>A on transcript NM_000535.7 (MANE Select); coding-DNA position 695, G replaced by A.
Protein change: p.Gly232Glu; replaces glycine 232 with glutamic acid.
Molecular consequence: missense variant. On other transcripts: 5 prime UTR variant (2), non-coding transcript variant (1), intron variant (1).
Genome position (GRCh38, 1-based): chr7:5,999,118, C>T on the plus strand (G>A on the coding strand, the complement: PMS2 is on the minus strand). VCF-style: chr7-5999118-C-T. GRCh37 (hg19) VCF-style: chr7-6038749-C-T.
Other names: c.290G>A, p.Gly97Glu (NM_001322003.2, NM_001322004.2, NM_001322005.2 and 2 more transcripts); c.695G>A, p.Gly232Glu (NM_001322006.2, NM_001322014.2); c.377G>A, p.Gly126Glu (NM_001322007.2, NM_001322008.2); c.-239G>A (NM_001322011.2, NM_001322012.2); c.386G>A, p.Gly129Glu (NM_001322015.2); c.133-1695G>A (NM_001322013.2); short protein forms G232E, G126E, G129E, G97E.
Identifiers: ClinVar variation 41717 (VCV000041717.27), dbSNP rs201811667, ClinGen allele CA012543.
Genomic context (GRCh38, chr7:5,999,118, plus strand): 5'-CTATAATCACTAGAGCAATAAGAGGCGTTGAAGTAACCGGCCATCACTACCTGCTTCTGC[C>T]CAAACACAGAGCCGATATTTTCCTTTATGCTGGGGCTTCCACCTGTGCATACCACAGGCT-3'
Protein context (NP_000526.2, residues 222-242): SIKENIGSVF[Gly232Glu]QKQLQSLIPF